The following is an entry in ClinVar:

ClinVar aggregate classification (germline): Likely benign (1 of 4 stars; one submission).

Allele frequency attached by ClinVar (database versions not stated): gnomAD exomes 0.00106; gnomAD 0.01146 and 0.01222; TOPMed 0.01217; 1000 Genomes Project 0.01378; 1000 Genomes Project 30x 0.01562.
gnomAD v4.1: 2,120 of 498,896 alleles (0.42%); highest among the groups gnomAD compares: African/African-American, 3.9%; 36 homozygotes.

Submission:

GeneDx
Classification: Likely benign. Last evaluated: 2021-05-13. Review status: criteria provided, single submitter. Criteria: GeneDx Variant Classification Process June 2021. Collection method: clinical testing. Allele origin: germline. Affected: yes.
Comment: See Variant Classification Assertion Criteria.

NM_001510.4(GRID2):c.1347+128T>A

Gene: GRID2 (glutamate ionotropic receptor delta type subunit 2; plus strand). Cytogenetic location: 4q22.2.
Variant type: single nucleotide variant.
Coding change: c.1347+128T>A on transcript NM_001510.4 (MANE Select); 128 bases into the intron after coding-DNA position 1347, T replaced by A.
Molecular consequence: intron variant.
Genome position (GRCh38, 1-based): chr4:93,395,836, T>A. VCF-style: chr4-93395836-T-A. GRCh37 (hg19) VCF-style: chr4-94316987-T-A.
Other names: c.1062+128T>A (NM_001286838.1).
Identifiers: ClinVar variation 1683827 (VCV001683827.2), dbSNP rs182705749, ClinGen allele CA102135119.
Genomic context (GRCh38, chr4:93,395,836, plus strand): 5'-TTAACTGATGACATAATCTTAAAAGAGATTTTAACAAATTCTAAATACGCTTTCTAAGAT[T>A]TTTTAATGGTCATATTTCACAGCCTTCAATTTACGTGGATCAGGATCACAGTTTTGCAGA-3'